The following is an entry in ClinVar:

ClinVar aggregate classification (germline): Uncertain significance (1 of 4 stars; one submission).

Submission:

Labcorp Genetics (formerly Invitae), Labcorp
Classification: Uncertain significance. Last evaluated: 2023-10-28. Review status: criteria provided, single submitter. Criteria: Invitae Variant Classification Sherloc (09022015). Collection method: clinical testing. Allele origin: germline.
Comment: This sequence change replaces serine, which is neutral and polar, with phenylalanine, which is neutral and non-polar, at codon 97 of the PACS2 protein (p.Ser97Phe). This variant is not present in population databases (gnomAD no frequency). This variant has not been reported in the literature in individuals affected with PACS2-related conditions. An algorithm developed to predict the effect of missense changes on protein structure and function (PolyPhen-2) suggests that this variant is likely to be disruptive. In summary, the available evidence is currently insufficient to determine the role of this variant in disease. Therefore, it has been classified as a Variant of Uncertain Significance.

NM_001100913.3(PACS2):c.290C>T (p.Ser97Phe)

Gene: PACS2 (phosphofurin acidic cluster sorting protein 2; plus strand). Cytogenetic location: 14q32.33.
Variant type: single nucleotide variant.
Coding change: c.290C>T on transcript NM_001100913.3 (MANE Select); coding-DNA position 290, C replaced by T.
Protein change: p.Ser97Phe; replaces serine 97 with phenylalanine.
Molecular consequence: missense variant.
Genome position (GRCh38, 1-based): chr14:105,352,460, C>T. VCF-style: chr14-105352460-C-T. GRCh37 (hg19) VCF-style: chr14-105818797-C-T.
Other names: c.89C>T, p.Ser30Phe (NM_001243127.3); c.290C>T, p.Ser97Phe (NM_015197.4); short protein forms S30F, S97F.
Identifiers: ClinVar variation 2772390 (VCV002772390.3), dbSNP rs2544554264, ClinGen allele CA391199744.